The following is an entry in ClinVar:

NM_014874.4(MFN2):c.1162G>A (p.Val388Ile)

Gene: MFN2 (mitofusin 2; plus strand). Cytogenetic location: 1p36.22.
Variant type: single nucleotide variant.
Coding change: c.1162G>A on transcript NM_014874.4 (MANE Select); coding-DNA position 1162, G replaced by A.
Protein change: p.Val388Ile; replaces valine 388 with isoleucine.
Molecular consequence: missense variant.
Genome position (GRCh38, 1-based): chr1:12,003,993, G>A. VCF-style: chr1-12003993-G-A. GRCh37 (hg19) VCF-style: chr1-12064050-G-A.
Other names: c.1162G>A, p.Val388Ile (NM_001127660.2); short protein forms V388I.
Identifiers: ClinVar variation 447716 (VCV000447716.11), dbSNP rs924011766, ClinGen allele CA18011028.

ClinVar aggregate classification (germline): Uncertain significance. Review status: criteria provided, multiple submitters, no conflicts (2 of 4 stars). 5 submissions from 5 submitters: Uncertain significance (5). Last evaluated 2025-03-03.

Conditions:
Inborn genetic diseases. Identifiers: MedGen C0950123, MeSH D030342.
Charcot-Marie-Tooth disease type 2. Also called: Charcot-Marie-Tooth type 2. Identifiers: Orphanet 64746, MedGen C0270914, MONDO:0018993.

Allele frequency attached by ClinVar (database versions not stated): gnomAD exomes 0.00001 and 0.00003; TOPMed 0.00001.
gnomAD v4.1: 38 of 1,614,196 alleles (0.0024%); highest among the groups gnomAD compares: Non-Finnish European, 0.0031%; no homozygotes.

Submissions (5):

Labcorp Genetics (formerly Invitae), Labcorp
Classification: Uncertain significance for Charcot-Marie-Tooth disease type 2. Last evaluated: 2025-03-03. Review status: criteria provided, single submitter. Criteria: Invitae Variant Classification Sherloc (09022015). Collection method: clinical testing. Allele origin: germline.
Comment: This sequence change replaces valine, which is neutral and non-polar, with isoleucine, which is neutral and non-polar, at codon 388 of the MFN2 protein (p.Val388Ile). This variant is present in population databases (no rsID available, gnomAD 0.0009%). This variant has not been reported in the literature in individuals affected with MFN2-related conditions. ClinVar contains an entry for this variant (Variation ID: 447716). Invitae Evidence Modeling of protein sequence and biophysical properties (such as structural, functional, and spatial information, amino acid conservation, physicochemical variation, residue mobility, and thermodynamic stability) indicates that this missense variant is not expected to disrupt MFN2 protein function with a negative predictive value of 80%. In summary, the available evidence is currently insufficient to determine the role of this variant in disease. Therefore, it has been classified as a Variant of Uncertain Significance.

Blueprint Genetics
Classification: Uncertain significance. Last evaluated: 2024-05-20. Review status: criteria provided, single submitter. Criteria: ACMG Guidelines, 2015. Collection method: clinical testing. Allele origin: germline.

Ambry Genetics
Classification: Uncertain significance for Inborn genetic diseases. Last evaluated: 2023-08-14. Review status: criteria provided, single submitter. Criteria: Ambry Variant Classification Scheme 2023. Collection method: clinical testing. Allele origin: germline.

GeneDx
Classification: Uncertain significance. Last evaluated: 2022-03-07. Review status: criteria provided, single submitter. Criteria: GeneDx Variant Classification Process June 2021. Collection method: clinical testing. Allele origin: germline. Affected: yes.
Comment: Not observed at a significant frequency in large population cohorts (gnomAD); In silico analysis supports that this missense variant does not alter protein structure/function; Has not been previously published as pathogenic or benign to our knowledge

Athena Diagnostics
Classification: Uncertain significance. Last evaluated: 2017-04-13. Review status: criteria provided, single submitter. Criteria: Athena Diagnostics Criteria. Collection method: clinical testing. Allele origin: germline.